The following is an entry in ClinVar:

ClinVar aggregate classification (germline): Conflicting classifications of pathogenicity. Review status: criteria provided, conflicting classifications (1 of 4 stars). 6 submissions from 6 submitters: Uncertain significance (1); Benign (2); Likely benign (3). Last evaluated 2026-02-01.

Conditions:
Fanconi anemia (FA). Also called: Fanconi's anemia. Identifiers: Orphanet 84, MedGen C0015625, MeSH D005199, MONDO:0019391.
Fanconi anemia complementation group A (FANCA). Also called: Fanconi anemia, group A; FANCA-Related Fanconi Anemia. Identifiers: Orphanet 84, MedGen C3469521, MONDO:0009215, OMIM 227650.

Allele frequency attached by ClinVar (database versions not stated): gnomAD exomes 0.00018 and 0.00050; ExAC 0.00090; 1000 Genomes Project 30x 0.00187; gnomAD 0.00207 and 0.00219; TOPMed 0.00213; 1000 Genomes Project 0.00220; ESP Exome Variant Server 0.00246.
gnomAD v4.1: 583 of 1,597,638 alleles (0.036%); highest among the groups gnomAD compares: African/African-American, 0.71%; 2 homozygotes.

Submissions (6):

Labcorp Genetics (formerly Invitae), Labcorp
Classification: Benign for Fanconi anemia. Last evaluated: 2026-02-01. Review status: criteria provided, single submitter. Criteria: Invitae Variant Classification Sherloc (09022015). Collection method: clinical testing. Allele origin: germline.

Blueprint Genetics
Classification: Likely benign. Last evaluated: 2024-06-26. Review status: criteria provided, single submitter. Criteria: ACMG Guidelines, 2015. Collection method: clinical testing. Allele origin: germline.

Quest Diagnostics Nichols Institute San Juan Capistrano
Classification: Benign. Last evaluated: 2022-10-10. Review status: criteria provided, single submitter. Criteria: Quest Diagnostics criteria. Collection method: clinical testing. Allele origin: unknown.

Sema4
Classification: Likely benign for Fanconi anemia. Last evaluated: 2021-09-28. Review status: criteria provided, single submitter. Criteria: Sema4 Curation Guidelines. Collection method: curation. Allele origin: germline.

Baylor Genetics
Classification: Uncertain significance for Fanconi anemia complementation group A. Last evaluated: 2020-12-22. Review status: criteria provided, single submitter. Criteria: ACMG Guidelines, 2015. Collection method: clinical testing. Allele origin: maternal. Affected: yes. Study: CSER-TexasKidsCanSeq.
Comment: This variant was determined to be of uncertain significance according to ACMG Guidelines, 2015 [PMID:25741868].

Genetic Services Laboratory, University of Chicago
Classification: Likely benign. Last evaluated: 2018-04-13. Review status: criteria provided, single submitter. Criteria: ACMG Guidelines, 2015. Collection method: clinical testing. Allele origin: germline. Affected: no.

NM_000135.4(FANCA):c.3514-4A>G

Gene: FANCA (FA complementation group A; minus strand). Cytogenetic location: 16q24.3.
Variant type: single nucleotide variant.
Coding change: c.3514-4A>G on transcript NM_000135.4 (MANE Select); 4 bases into the intron before coding-DNA position 3514, A replaced by G.
Molecular consequence: intron variant.
Genome position (GRCh38, 1-based): chr16:89,745,075, T>C on the plus strand (A>G on the coding strand, the complement: FANCA is on the minus strand). VCF-style: chr16-89745075-T-C. GRCh37 (hg19) VCF-style: chr16-89811483-T-C.
Other names: c.3514-4A>G (LRG_495t1, NM_000135.3, NM_001286167.3).
Identifiers: ClinVar variation 526451 (VCV000526451.18), dbSNP rs149388130, ClinGen allele CA8251107.